The following is an entry in ClinVar:

ClinVar aggregate classification (germline): Uncertain significance. Review status: criteria provided, multiple submitters, no conflicts (2 of 4 stars). 2 submissions from 2 submitters: Uncertain significance (2). Last evaluated 2025-05-04.

Conditions:
Hereditary cancer-predisposing syndrome. Also called: Tumor predisposition; Hereditary neoplastic syndrome; Neoplastic Syndromes, Hereditary; Hereditary Cancer Syndrome. Identifiers: Orphanet 140162, MedGen C0027672, MeSH D009386, MONDO:0015356.
Oligodontia-cancer predisposition syndrome. Also called: TOOTH AGENESIS-COLORECTAL CANCER SYNDROME. Identifiers: Orphanet 300576, MedGen C1837750, MONDO:0012075, OMIM 608615. Disease mechanism: loss of function.

Allele frequency attached by ClinVar (database versions not stated): gnomAD exomes below 0.00001.
gnomAD v4.1: 1 of 1,614,114 alleles (0.000062%); highest among the groups gnomAD compares: Non-Finnish European, 0.000085%; no homozygotes.

Submissions (2):

Labcorp Genetics (formerly Invitae), Labcorp
Classification: Uncertain significance for Oligodontia-cancer predisposition syndrome. Last evaluated: 2025-05-04. Review status: criteria provided, single submitter. Criteria: Invitae Variant Classification Sherloc (09022015). Collection method: clinical testing. Allele origin: germline.
Comment: This sequence change replaces proline, which is neutral and non-polar, with serine, which is neutral and polar, at codon 566 of the AXIN2 protein (p.Pro566Ser). This variant is not present in population databases (gnomAD no frequency). This variant has not been reported in the literature in individuals affected with AXIN2-related conditions. ClinVar contains an entry for this variant (Variation ID: 858278). Invitae Evidence Modeling of protein sequence and biophysical properties (such as structural, functional, and spatial information, amino acid conservation, physicochemical variation, residue mobility, and thermodynamic stability) indicates that this missense variant is not expected to disrupt AXIN2 protein function with a negative predictive value of 80%. In summary, the available evidence is currently insufficient to determine the role of this variant in disease. Therefore, it has been classified as a Variant of Uncertain Significance.

Ambry Genetics
Classification: Uncertain significance for Hereditary cancer-predisposing syndrome. Last evaluated: 2025-03-06. Review status: criteria provided, single submitter. Criteria: Ambry Variant Classification Scheme 2023. Collection method: clinical testing. Allele origin: germline.
Comment: The p.P566S variant (also known as c.1696C>T), located in coding exon 5 of the AXIN2 gene, results from a C to T substitution at nucleotide position 1696. The proline at codon 566 is replaced by serine, an amino acid with similar properties. This amino acid position is conserved. In addition, this alteration is predicted to be tolerated by in silico analysis. Since supporting evidence is limited at this time, the clinical significance of this alteration remains unclear.

NM_004655.4(AXIN2):c.1696C>T (p.Pro566Ser)

Gene: AXIN2 (axin 2; minus strand). Cytogenetic location: 17q24.1.
Variant type: single nucleotide variant.
Coding change: c.1696C>T on transcript NM_004655.4 (MANE Select); coding-DNA position 1696, C replaced by T.
Protein change: p.Pro566Ser; replaces proline 566 with serine.
Molecular consequence: missense variant.
Genome position (GRCh38, 1-based): chr17:65,537,340, G>A on the plus strand (C>T on the coding strand, the complement: AXIN2 is on the minus strand). VCF-style: chr17-65537340-G-A. GRCh37 (hg19) VCF-style: chr17-63533458-G-A.
Other names: c.1696C>T, p.Pro566Ser (NM_001363813.1); short protein forms P566S.
Identifiers: ClinVar variation 858278 (VCV000858278.12), dbSNP rs2043944814, ClinGen allele CA400676818.